The following is an entry in ClinVar:

NM_001101362.3(KBTBD13):c.1036A>C (p.Met346Leu)

Gene: KBTBD13 (kelch repeat and BTB domain containing 13; plus strand). Cytogenetic location: 15q22.31.
Variant type: single nucleotide variant.
Coding change: c.1036A>C on transcript NM_001101362.3 (MANE Select); coding-DNA position 1036, A replaced by C.
Protein change: p.Met346Leu; replaces methionine 346 with leucine.
Molecular consequence: missense variant.
Genome position (GRCh38, 1-based): chr15:65,077,851, A>C. VCF-style: chr15-65077851-A-C. GRCh37 (hg19) VCF-style: chr15-65370189-A-C.
Other names: short protein forms M346L.
Identifiers: ClinVar variation 4777214 (VCV004777214.1).

ClinVar aggregate classification (germline): Uncertain significance (1 of 4 stars; one submission).

Conditions:
Nemaline myopathy 6 (NEM6). Also called: Nemaline myopathy 6, autosomal dominant. Identifiers: Orphanet 171439, MedGen C1836472, MONDO:0012237, OMIM 609273.

gnomAD v4.1: 5 of 1,610,622 alleles (0.00031%); highest among the groups gnomAD compares: East Asian, 0.0045%; no homozygotes.

Submission:

Labcorp Genetics (formerly Invitae), Labcorp
Classification: Uncertain significance for Nemaline myopathy 6. Last evaluated: 2025-07-22. Review status: criteria provided, single submitter. Criteria: Invitae Variant Classification Sherloc (09022015). Collection method: clinical testing. Allele origin: germline.
Comment: This sequence change replaces methionine, which is neutral and non-polar, with leucine, which is neutral and non-polar, at codon 346 of the KBTBD13 protein (p.Met346Leu). This variant is present in population databases (rs765183787, gnomAD 0.006%). This variant has not been reported in the literature in individuals affected with KBTBD13-related conditions. Invitae Evidence Modeling of protein sequence and biophysical properties (such as structural, functional, and spatial information, amino acid conservation, physicochemical variation, residue mobility, and thermodynamic stability) indicates that this missense variant is not expected to disrupt KBTBD13 protein function with a negative predictive value of 80%. In summary, the available evidence is currently insufficient to determine the role of this variant in disease. Therefore, it has been classified as a Variant of Uncertain Significance.